The following is an entry in ClinVar:

ClinVar aggregate classification (germline): Uncertain significance (1 of 4 stars; one submission).

Conditions:
Glucose-6-phosphate transport defect (GSD1B). Also called: Glycogen Storage Disease Type Ib; GSD Ib. Identifiers: Orphanet 364, Orphanet 79259, MedGen C0268146, MONDO:0009288, OMIM 232220.

Submission:

Labcorp Genetics (formerly Invitae), Labcorp
Classification: Uncertain significance for Glucose-6-phosphate transport defect. Last evaluated: 2025-07-13. Review status: criteria provided, single submitter. Criteria: Invitae Variant Classification Sherloc (09022015). Collection method: clinical testing. Allele origin: germline.
Comment: This sequence change replaces tryptophan, which is neutral and slightly polar, with arginine, which is basic and polar, at codon 138 of the SLC37A4 protein (p.Trp138Arg). This variant is not present in population databases (gnomAD no frequency). This missense change has been observed in individual(s) with glycogen storage disease Ib (PMID: 28224773). In at least one individual the data is consistent with being in trans (on the opposite chromosome) from a pathogenic variant. ClinVar contains an entry for this variant (Variation ID: 2910297). Invitae Evidence Modeling of protein sequence and biophysical properties (such as structural, functional, and spatial information, amino acid conservation, physicochemical variation, residue mobility, and thermodynamic stability) indicates that this missense variant is expected to disrupt SLC37A4 protein function with a positive predictive value of 80%. In summary, the available evidence is currently insufficient to determine the role of this variant in disease. Therefore, it has been classified as a Variant of Uncertain Significance.

Literature cited by the submitters: PubMed 28224773.

NM_001164277.2(SLC37A4):c.412T>C (p.Trp138Arg)

Gene: SLC37A4 (solute carrier family 37 member 4; minus strand). Cytogenetic location: 11q23.3.
Variant type: single nucleotide variant.
Coding change: c.412T>C on transcript NM_001164277.2 (MANE Select); coding-DNA position 412, T replaced by C.
Protein change: p.Trp138Arg; replaces tryptophan 138 with arginine.
Molecular consequence: missense variant.
Genome position (GRCh38, 1-based): chr11:119,027,842, A>G on the plus strand (T>C on the coding strand, the complement: SLC37A4 is on the minus strand). VCF-style: chr11-119027842-A-G. GRCh37 (hg19) VCF-style: chr11-118898552-A-G.
Other names: c.412T>C, p.Trp138Arg (NM_001164278.2, NM_001164280.2, NM_001467.6); c.193T>C, p.Trp65Arg (NM_001164279.2); short protein forms W138R, W65R.
Identifiers: ClinVar variation 2910297 (VCV002910297.3), dbSNP rs2497029571, ClinGen allele CA382903845.